The following is an entry in ClinVar:

ClinVar aggregate classification (germline): Likely pathogenic (1 of 4 stars; one submission).

Conditions:
Autosomal recessive polycystic kidney disease (ARPKD). Also called: AR polycystic kidney disease. Identifiers: Orphanet 731, Orphanet 8378, MedGen C0085548, MeSH D017044, MONDO:0009889.

Submission:

Natera, Inc.
Classification: Likely pathogenic for Autosomal recessive polycystic kidney disease. Last evaluated: 2025-12-15. Review status: criteria provided, single submitter. Criteria: Natera Variant Classification Schema (03/2026). Collection method: clinical testing. Allele origin: germline.
Comment: The c.880+2T>G variant in PKHD1 is a canonical splice donor site variant predicted to affect pre-mRNA splicing, which may result in an abnormal transcript and altered protein product. This variant is expected to result in nonsense mediated decay, truncation, or a dysfunctional protein product. This variant is rare in the general population with a frequency below the threshold expected for the associated phenotype(s). Given the available evidence, this variant is classified as Likely Pathogenic.

NM_138694.4(PKHD1):c.880+2T>G

Gene: PKHD1 (PKHD1 ciliary IPT domain containing fibrocystin/polyductin; minus strand). Cytogenetic location: 6p12.2.
Variant type: single nucleotide variant.
Coding change: c.880+2T>G on transcript NM_138694.4 (MANE Select); the canonical splice donor site of the intron after coding-DNA position 880, T replaced by G.
Molecular consequence: splice donor variant.
Genome position (GRCh38, 1-based): chr6:52,065,974, A>C on the plus strand (T>G on the coding strand, the complement: PKHD1 is on the minus strand). VCF-style: chr6-52065974-A-C. GRCh37 (hg19) VCF-style: chr6-51930772-A-C.
Other names: c.880+2T>G (NM_170724.3).
Identifiers: ClinVar variation 4816782 (VCV004816782.1).
Genomic context (GRCh38, chr6:52,065,974, plus strand): 5'-ACATATAATCTCCTAGAGCATCTAAAACTATGAACTATTTTCAGCCATTTCATCATAGTT[A>C]CCTGCAATGGTAACCTGGGCAGAATTGTCAAAAAAGTCTCCTGTAATTGTGATGTTTGTT-3'